The following is an entry in ClinVar:

NM_001035.3(RYR2):c.1578G>A (p.Trp526Ter)

Gene: RYR2 (ryanodine receptor 2; plus strand). Cytogenetic location: 1q43.
Variant type: single nucleotide variant.
Coding change: c.1578G>A on transcript NM_001035.3 (MANE Select); coding-DNA position 1578, G replaced by A.
Protein change: p.Trp526Ter; replaces tryptophan 526 with a stop codon.
Molecular consequence: nonsense.
Genome position (GRCh38, 1-based): chr1:237,456,701, G>A. VCF-style: chr1-237456701-G-A. GRCh37 (hg19) VCF-style: chr1-237620001-G-A.
Other names: short protein forms W526*.
Identifiers: ClinVar variation 2774248 (VCV002774248.2), dbSNP rs2528562174, ClinGen allele CA345381837.

ClinVar aggregate classification (germline): Uncertain significance (1 of 4 stars; one submission).

Conditions:
Cardiomyopathy (CMYO). Also called: Cardiomyopathies. Identifiers: Orphanet 167848, MedGen C0878544, MONDO:0004994, HP:0001638. Inheritance: Various modes of inheritance.

Submission:

Color Diagnostics, LLC DBA Color Health
Classification: Uncertain significance for Cardiomyopathy. Last evaluated: 2024-01-04. Review status: criteria provided, single submitter. Criteria: ACMG Guidelines, 2015. Collection method: clinical testing. Allele origin: germline.
Comment: This variant changes 1 nucleotide in exon 16 of the RYR2 gene, creating a premature translation stop signal. This variant is expected to result in an absent or non-functional protein product. To our knowledge, this variant has not been reported in individuals affected with RYR2-related disorders in the literature. This variant has not been identified in the general population by the Genome Aggregation Database (gnomAD). Clinical relevance of loss-of-function RYR2 truncation variants in autosomal dominant cardiovascular disorders is not clearly established. The available evidence is insufficient to determine the role of this variant in disease conclusively. Therefore, this variant is classified as a Variant of Uncertain Significance.